The following is an entry in ClinVar:

NM_138295.5(PKD1L1):c.8104C>T (p.Leu2702Phe)

Genes: PKD1L1 (polycystin 1 like 1, transient receptor potential channel interacting; minus strand), PKD1L1-AS1 (PKD1L1 antisense RNA 1; plus strand). Cytogenetic location: 7p12.3.
Variant type: single nucleotide variant.
Coding change: c.8104C>T on transcript NM_138295.5 (MANE Select); coding-DNA position 8104, C replaced by T.
Protein change: p.Leu2702Phe; replaces leucine 2702 with phenylalanine.
Molecular consequence: missense variant.
Genome position (GRCh38, 1-based): chr7:47,800,738, G>A on the plus strand (C>T on the coding strand, the complement: PKD1L1 is on the minus strand). VCF-style: chr7-47800738-G-A. GRCh37 (hg19) VCF-style: chr7-47840336-G-A.
Other names: short protein forms L2702F.
Identifiers: ClinVar variation 3213573 (VCV003213573.2), dbSNP rs143197576, ClinGen allele CA4251822.

ClinVar aggregate classification (germline): Likely benign. Review status: criteria provided, single submitter (1 of 4 stars). 2 submissions from 2 submitters: Likely benign (1). 1 of the submissions does not count toward it. Last evaluated 2024-01-03.

Conditions:
Inborn genetic diseases. Identifiers: MedGen C0950123, MeSH D030342.
PKD1L1-related disorder. Also called: PKD1L1-related condition.

Allele frequency attached by ClinVar (database versions not stated): gnomAD exomes 0.00001; ExAC 0.00005; gnomAD 0.00007; TOPMed 0.00010; ESP Exome Variant Server 0.00015.

Submissions (2):

Ambry Genetics
Classification: Likely benign for Inborn genetic diseases. Last evaluated: 2024-01-03. Review status: criteria provided, single submitter. Criteria: Ambry Variant Classification Scheme 2023. Collection method: clinical testing. Allele origin: germline.

PreventionGenetics, part of Exact Sciences
Classification: Uncertain significance for PKD1L1-related condition. Last evaluated: 2024-06-01. Review status: no assertion criteria provided. Collection method: clinical testing. Allele origin: germline. Not counted in ClinVar's aggregate classification.
Comment: The PKD1L1 c.8104C>T variant is predicted to result in the amino acid substitution p.Leu2702Phe. To our knowledge, this variant has not been reported in the literature. This variant is reported in 0.044% of alleles in individuals of African descent in gnomAD. At this time, the clinical significance of this variant is uncertain due to the absence of conclusive functional and genetic evidence.